The following is an entry in ClinVar:

ClinVar aggregate classification (germline): Uncertain significance (1 of 4 stars; one submission).

Conditions:
Charcot-Marie-Tooth disease type 4. Also called: Charcot-Marie-Tooth disease, type IV; Charcot-Marie-Tooth, Type 4. Identifiers: Orphanet 64749, MedGen C4082197, MONDO:0018995.

Allele frequency attached by ClinVar (database versions not stated): gnomAD exomes below 0.00001; TOPMed below 0.00001; gnomAD 0.00001.
gnomAD v4.1: 2 of 1,614,044 alleles (0.00012%); highest among the groups gnomAD compares: Non-Finnish European, 0.00017%; no homozygotes.

Submission:

Labcorp Genetics (formerly Invitae), Labcorp
Classification: Uncertain significance for Charcot-Marie-Tooth disease type 4. Last evaluated: 2022-05-12. Review status: criteria provided, single submitter. Criteria: Invitae Variant Classification Sherloc (09022015). Collection method: clinical testing. Allele origin: germline.
Comment: This variant has not been reported in the literature in individuals affected with FIG4-related conditions. This variant is not present in population databases (gnomAD no frequency). This sequence change replaces isoleucine, which is neutral and non-polar, with valine, which is neutral and non-polar, at codon 570 of the FIG4 protein (p.Ile570Val). Algorithms developed to predict the effect of missense changes on protein structure and function (SIFT, PolyPhen-2, Align-GVGD) all suggest that this variant is likely to be tolerated. In summary, the available evidence is currently insufficient to determine the role of this variant in disease. Therefore, it has been classified as a Variant of Uncertain Significance.

NM_014845.6(FIG4):c.1708A>G (p.Ile570Val)

Gene: FIG4 (FIG4 phosphoinositide 5-phosphatase; plus strand). Cytogenetic location: 6q21.
Variant type: single nucleotide variant.
Coding change: c.1708A>G on transcript NM_014845.6 (MANE Select); coding-DNA position 1708, A replaced by G.
Protein change: p.Ile570Val; replaces isoleucine 570 with valine.
Molecular consequence: missense variant.
Genome position (GRCh38, 1-based): chr6:109,766,853, A>G. VCF-style: chr6-109766853-A-G. GRCh37 (hg19) VCF-style: chr6-110088056-A-G.
Other names: short protein forms I570V.
Identifiers: ClinVar variation 1993813 (VCV001993813.4), dbSNP rs1777295155, ClinGen allele CA365228733.